The following is an entry in ClinVar:

NM_015443.4(KANSL1):c.1763G>A (p.Cys588Tyr)

Gene: KANSL1 (KAT8 regulatory NSL complex subunit 1). Cytogenetic location: 17q21.31.
Variant type: single nucleotide variant.
Coding change: c.1763G>A on transcript NM_015443.4 (MANE Select); coding-DNA position 1763, G replaced by A.
Protein change: p.Cys588Tyr; replaces cysteine 588 with tyrosine.
Molecular consequence: missense variant.
Genome position (GRCh38, 1-based): chr17:46,066,622, C>T on the plus strand (G>A on the coding strand, the complement: KANSL1 is on the minus strand). VCF-style: chr17-46066622-C-T. GRCh37 (hg19) VCF-style: chr17-44143988-C-T.
Other names: c.1763G>A, p.Cys588Tyr (NM_001193465.2, NM_001193466.2, NM_001379198.1 and 14 more transcripts); c.1661G>A, p.Cys554Tyr (NM_001405859.1, NM_001405860.1, NM_001405861.1 and 1 more transcripts); c.497G>A, p.Cys166Tyr (NM_001405882.1, NM_001405883.1, NM_001405884.1 and 1 more transcripts); short protein forms C554Y, C166Y, C588Y.
Identifiers: ClinVar variation 3704125 (VCV003704125.2).

ClinVar aggregate classification (germline): Uncertain significance (1 of 4 stars; one submission).

Conditions:
Koolen-de Vries syndrome (KDVS). Identifiers: Orphanet 96169, MedGen C1864871, MONDO:0012496, OMIM 610443.

gnomAD v4.1: 1 of 1,614,192 alleles (0.000062%); highest among the groups gnomAD compares: African/African-American, 0.0013%; no homozygotes.

Submission:

Labcorp Genetics (formerly Invitae), Labcorp
Classification: Uncertain significance for Koolen-de Vries syndrome. Last evaluated: 2024-05-29. Review status: criteria provided, single submitter. Criteria: Invitae Variant Classification Sherloc (09022015). Collection method: clinical testing. Allele origin: germline.
Comment: This sequence change replaces cysteine, which is neutral and slightly polar, with tyrosine, which is neutral and polar, at codon 588 of the KANSL1 protein (p.Cys588Tyr). This variant is not present in population databases (gnomAD no frequency). This variant has not been reported in the literature in individuals affected with KANSL1-related conditions. Advanced modeling of protein sequence and biophysical properties (such as structural, functional, and spatial information, amino acid conservation, physicochemical variation, residue mobility, and thermodynamic stability) has been performed at Invitae for this missense variant, however the output from this modeling did not meet the statistical confidence thresholds required to predict the impact of this variant on KANSL1 protein function. In summary, the available evidence is currently insufficient to determine the role of this variant in disease. Therefore, it has been classified as a Variant of Uncertain Significance.